The following is an entry in ClinVar:

ClinVar aggregate classification (germline): Uncertain significance (1 of 4 stars; one submission).

gnomAD v4.1: 1 of 1,572,828 alleles (0.000064%); highest among the groups gnomAD compares: Non-Finnish European, 0.000086%; no homozygotes.

Submission:

GeneDx
Classification: Uncertain significance. Last evaluated: 2026-02-05. Review status: criteria provided, single submitter. Criteria: GeneDx Variant Classification Process June 2021. Collection method: clinical testing. Allele origin: germline.
Comment: Not observed at significant frequency in large population cohorts (gnomAD); In silico analysis supports that this missense variant has a deleterious effect on protein structure/function; Has not been previously published as pathogenic or benign to our knowledge

NM_001374353.1(GLI2):c.2383A>G (p.Thr795Ala)

Gene: GLI2 (GLI family zinc finger 2; plus strand). Cytogenetic location: 2q14.2.
Variant type: single nucleotide variant.
Coding change: c.2383A>G on transcript NM_001374353.1 (MANE Select); coding-DNA position 2383, A replaced by G.
Protein change: p.Thr795Ala; replaces threonine 795 with alanine.
Molecular consequence: missense variant.
Genome position (GRCh38, 1-based): chr2:120,988,348, A>G. VCF-style: chr2-120988348-A-G. GRCh37 (hg19) VCF-style: chr2-121745924-A-G.
Other names: c.2434A>G, p.Thr812Ala (NM_001371271.1, NM_005270.5); c.2008A>G, p.Thr670Ala (NM_001374354.1); short protein forms T670A, T795A, T812A.
Identifiers: ClinVar variation 4976267 (VCV004976267.1).